The following is an entry in ClinVar:

NM_000310.4(PPT1):c.627+4A>G

Gene: PPT1 (palmitoyl-protein thioesterase 1; minus strand). Cytogenetic location: 1p34.2.
Variant type: single nucleotide variant.
Coding change: c.627+4A>G on transcript NM_000310.4 (MANE Select); 4 bases into the intron after coding-DNA position 627, A replaced by G.
Molecular consequence: intron variant.
Genome position (GRCh38, 1-based): chr1:40,080,393, T>C on the plus strand (A>G on the coding strand, the complement: PPT1 is on the minus strand). VCF-style: chr1-40080393-T-C. GRCh37 (hg19) VCF-style: chr1-40546065-T-C.
Other names: c.318+4A>G (NM_001142604.2); c.627+4A>G (NM_001363695.2).
Identifiers: ClinVar variation 206638 (VCV000206638.24), dbSNP rs572153728, ClinGen allele CA316915.
Genomic context (GRCh38, chr1:40,080,393, plus strand): 5'-TGTTTATGAAGACCTAAACAGGAAAAAGAACGCACATCTATGGGAGCCCGGTTTGGGTGC[T>C]TACCCGCTCCTGATTTATATCTGCCAAGAAGATGCTGTGGTTGCGATACACATCCTCCTT-3'

ClinVar aggregate classification (germline): Benign/Likely benign. Review status: criteria provided, multiple submitters, no conflicts (2 of 4 stars). 7 submissions from 7 submitters: Benign (3); Likely benign (2). 2 of the submissions do not count toward it. Last evaluated 2026-01-31.

Conditions:
Inborn genetic diseases. Identifiers: MedGen C0950123, MeSH D030342.
Neuronal ceroid lipofuscinosis 1 (CLN1). Also called: CEROID LIPOFUSCINOSIS, NEURONAL, 1, VARIABLE AGE AT ONSET; PPT1-Related Neuronal Ceroid-Lipofuscinosis. Identifiers: Orphanet 228329, MedGen C1850451, MONDO:0009744, OMIM 256730.

Allele frequency attached by ClinVar (database versions not stated): gnomAD below 0.00001 and 0.00048; TOPMed 0.00006; gnomAD exomes 0.00082 and 0.00181; ExAC 0.00231; 1000 Genomes Project 30x 0.00375; 1000 Genomes Project 0.00379.
gnomAD v4.1: 1,261 of 1,613,664 alleles (0.078%); highest among the groups gnomAD compares: South Asian, 1.3%; 13 homozygotes.

Submissions (7):

Labcorp Genetics (formerly Invitae), Labcorp
Classification: Benign for Neuronal ceroid lipofuscinosis 1. Last evaluated: 2026-01-31. Review status: criteria provided, single submitter. Criteria: Invitae Variant Classification Sherloc (09022015). Collection method: clinical testing. Allele origin: germline.

Ambry Genetics
Classification: Benign for Inborn genetic diseases. Last evaluated: 2019-04-11. Review status: criteria provided, single submitter. Criteria: Ambry Variant Classification Scheme 2023. Collection method: clinical testing. Allele origin: germline.

Center for Pediatric Genomic Medicine, Children's Mercy Hospital and Clinics
Classification: Likely benign. Last evaluated: 2017-05-18. Review status: criteria provided, single submitter. Criteria: ACMG Guidelines, 2015. Collection method: clinical testing. Allele origin: germline.

GeneDx
Classification: Benign. Last evaluated: 2016-08-16. Review status: criteria provided, single submitter. Criteria: GeneDx Variant Classification (06012015). Collection method: clinical testing. Allele origin: germline. Affected: yes.
Comment: This variant is considered likely benign or benign based on one or more of the following criteria: it is a conservative change, it occurs at a poorly conserved position in the protein, it is predicted to be benign by multiple in silico algorithms, and/or has population frequency not consistent with disease.

Genetic Services Laboratory, University of Chicago
Classification: Likely benign. Last evaluated: 2015-05-15. Review status: criteria provided, single submitter. Criteria: ACMG Guidelines, 2015. Collection method: clinical testing. Allele origin: germline.

Clinical Genetics DNA and cytogenetics Diagnostics Lab, Erasmus MC, Erasmus Medical Center
Classification: Benign. Review status: no assertion criteria provided. Collection method: clinical testing. Allele origin: germline. Affected: yes. Study: VKGL Data-share Consensus. Not counted in ClinVar's aggregate classification.

Genome Diagnostics Laboratory, University Medical Center Utrecht
Classification: Likely benign. Review status: no assertion criteria provided. Collection method: clinical testing. Allele origin: germline. Affected: yes. Study: VKGL Data-share Consensus. Not counted in ClinVar's aggregate classification.